The following is an entry in ClinVar:

ClinVar aggregate classification (germline): Likely benign. Review status: criteria provided, multiple submitters, no conflicts (2 of 4 stars). 4 submissions from 4 submitters: Likely benign (3). 1 of the submissions does not count toward it. Last evaluated 2025-10-11.

Conditions:
Inborn genetic diseases. Identifiers: MedGen C0950123, MeSH D030342.
Charcot-Marie-Tooth disease dominant intermediate C (CMTDIC). Also called: CHARCOT-MARIE-TOOTH NEUROPATHY, DOMINANT INTERMEDIATE C. Identifiers: Orphanet 100045, MedGen C1842237, MONDO:0012012, OMIM 608323.
YARS1-related disorder. Also called: YARS1-related condition.

Allele frequency attached by ClinVar (database versions not stated): ExAC 0.00002; gnomAD exomes 0.00002; gnomAD 0.00005 and 0.00006; TOPMed 0.00006.
gnomAD v4.1: 48 of 1,614,070 alleles (0.003%); highest among the groups gnomAD compares: Middle Eastern, 0.016%; no homozygotes.

Submissions (4):

Labcorp Genetics (formerly Invitae), Labcorp
Classification: Likely benign for Charcot-Marie-Tooth disease dominant intermediate C. Last evaluated: 2025-10-11. Review status: criteria provided, single submitter. Criteria: Invitae Variant Classification Sherloc (09022015). Collection method: clinical testing. Allele origin: germline.

Women's Health and Genetics/Laboratory Corporation of America, LabCorp
Classification: Likely benign. Last evaluated: 2025-04-14. Review status: criteria provided, single submitter. Criteria: LabCorp Variant Classification Summary - May 2015. Collection method: clinical testing. Allele origin: germline.
Comment: Variant summary: YARS1 c.546A>G alters a conserved nucleotide resulting in a synonymous change. Consensus agreement among computation tools predict no significant impact on normal splicing. However, these predictions have yet to be confirmed by functional studies. The variant allele was found at a frequency of 1.8e-05 in 282848 control chromosomes. The available data on variant occurrences in the general population are insufficient to allow any conclusion about variant significance. To our knowledge, no occurrence of c.546A>G in individuals affected with Neurologic, endocrine, and pancreatic disease, multisystem, infantile-onset 2 and no experimental evidence demonstrating its impact on protein function have been reported. ClinVar contains an entry for this variant (Variation ID: 216575). Based on the evidence outlined above, the variant was classified as likely benign.

Ambry Genetics
Classification: Likely benign for Inborn genetic diseases. Last evaluated: 2019-07-11. Review status: criteria provided, single submitter. Criteria: Ambry Variant Classification Scheme 2023. Collection method: clinical testing. Allele origin: germline.

PreventionGenetics, part of Exact Sciences
Classification: Likely benign for YARS1-related condition. Last evaluated: 2019-05-08. Review status: no assertion criteria provided. Collection method: clinical testing. Allele origin: germline. Not counted in ClinVar's aggregate classification.
Comment: This variant is classified as likely benign based on ACMG/AMP sequence variant interpretation guidelines (Richards et al. 2015 PMID: 25741868, with internal and published modifications).

NM_003680.4(YARS1):c.546A>G (p.Gln182=)

Gene: YARS1 (tyrosyl-tRNA synthetase 1; minus strand). Cytogenetic location: 1p35.1.
Variant type: single nucleotide variant.
Coding change: c.546A>G on transcript NM_003680.4 (MANE Select); coding-DNA position 546, A replaced by G.
Protein change: p.Gln182=; no amino-acid change (glutamine 182 retained).
Molecular consequence: synonymous variant.
Genome position (GRCh38, 1-based): chr1:32,797,808, T>C on the plus strand (A>G on the coding strand, the complement: YARS1 is on the minus strand). VCF-style: chr1-32797808-T-C. GRCh37 (hg19) VCF-style: chr1-33263409-T-C.
Identifiers: ClinVar variation 216575 (VCV000216575.17), dbSNP rs751440666, ClinGen allele CA336993.